The following is an entry in ClinVar:

ClinVar aggregate classification (germline): Pathogenic (1 of 4 stars; one submission).

Submission:

Labcorp Genetics (formerly Invitae), Labcorp
Classification: Pathogenic. Last evaluated: 2024-10-23. Review status: criteria provided, single submitter. Criteria: Invitae Variant Classification Sherloc (09022015). Collection method: clinical testing. Allele origin: germline.
Comment: This sequence change creates a premature translational stop signal (p.Cys64Alafs*39) in the NR2E3 gene. It is expected to result in an absent or disrupted protein product. Loss-of-function variants in NR2E3 are known to be pathogenic (PMID: 15459973, 27522502). This variant is not present in population databases (gnomAD no frequency). This variant has not been reported in the literature in individuals affected with NR2E3-related conditions. ClinVar contains an entry for this variant (Variation ID: 1072367). For these reasons, this variant has been classified as Pathogenic.

Literature cited by the submitters: PubMed 15459973; PubMed 27522502.

NM_014249.4(NR2E3):c.189_198del (p.Cys64fs)

Gene: NR2E3 (nuclear receptor subfamily 2 group E member 3; plus strand). Cytogenetic location: 15q23.
Variant type: Deletion.
Coding change: c.189_198del on transcript NM_014249.4 (MANE Select); coding-DNA positions 189 to 198, 10 bases deleted (CTGCAACGGC; older notation c.189_198delCTGCAACGGC).
Protein change: p.Cys64fs; shifts the reading frame from cysteine 64.
Molecular consequence: frameshift variant.
Genome position (GRCh38, 1-based): chr15:71,811,553-71,811,562, CTGCAACGGC deleted; deleting any 10 consecutive bases within chr15:71,811,551-71,811,562 gives the same sequence; the c. name uses the placement nearest the transcript's 3' end. VCF-style (leftmost placement, unchanged base first): chr15-71811550-TGCCTGCAACG-T. GRCh37 (hg19) VCF-style: chr15-72103890-TGCCTGCAACG-T.
Other names: c.189_198del, p.Cys64fs (NM_016346.4); short protein forms C64fs.
Identifiers: ClinVar variation 1072367 (VCV001072367.7), dbSNP rs2140288751, ClinGen allele CA912992665.